The following is an entry in ClinVar:

ClinVar aggregate classification (germline): Uncertain significance (1 of 4 stars; one submission).

Conditions:
Combined immunodeficiency due to STK4 deficiency (IMD110). Also called: MST1 DEFICIENCY; T-cell immunodeficiency, recurrent infections, and autoimmunity with or without cardiac malformations; STK4 DEFICIENCY. Identifiers: Orphanet 314689, MedGen C3553943, MONDO:0013934, OMIM 614868.

Allele frequency attached by ClinVar (database versions not stated): gnomAD exomes below 0.00001; gnomAD 0.00001; TOPMed 0.00001.
gnomAD v4.1: 3 of 1,613,928 alleles (0.00019%); highest among the groups gnomAD compares: Non-Finnish European, 0.00017%; no homozygotes.

Submission:

Labcorp Genetics (formerly Invitae), Labcorp
Classification: Uncertain significance for Combined immunodeficiency due to STK4 deficiency. Last evaluated: 2021-05-26. Review status: criteria provided, single submitter. Criteria: Invitae Variant Classification Sherloc (09022015). Collection method: clinical testing. Allele origin: germline.
Comment: This sequence change replaces asparagine with serine at codon 295 of the STK4 protein (p.Asn295Ser). The asparagine residue is moderately conserved and there is a small physicochemical difference between asparagine and serine. This variant is not present in population databases (ExAC no frequency). In summary, the available evidence is currently insufficient to determine the role of this variant in disease. Therefore, it has been classified as a Variant of Uncertain Significance. Algorithms developed to predict the effect of missense changes on protein structure and function (SIFT, PolyPhen-2, Align-GVGD) all suggest that this variant is likely to be tolerated, but these predictions have not been confirmed by published functional studies and their clinical significance is uncertain. This variant has not been reported in the literature in individuals with STK4-related conditions.

NM_006282.5(STK4):c.884A>G (p.Asn295Ser)

Gene: STK4 (serine/threonine kinase 4; plus strand). Cytogenetic location: 20q13.12.
Variant type: single nucleotide variant.
Coding change: c.884A>G on transcript NM_006282.5 (MANE Select); coding-DNA position 884, A replaced by G.
Protein change: p.Asn295Ser; replaces asparagine 295 with serine.
Molecular consequence: missense variant.
Genome position (GRCh38, 1-based): chr20:45,000,444, A>G. VCF-style: chr20-45000444-A-G. GRCh37 (hg19) VCF-style: chr20-43629085-A-G.
Other names: c.884A>G, p.Asn295Ser (NM_001352385.2); short protein forms N295S.
Identifiers: ClinVar variation 948508 (VCV000948508.8), dbSNP rs1277742961, ClinGen allele CA409126216.